The following is an entry in ClinVar:

ClinVar aggregate classification (germline): Uncertain significance. Review status: criteria provided, single submitter (1 of 4 stars). 2 submissions from 2 submitters: Uncertain significance (1). 1 of the submissions does not count toward it. Last evaluated 2019-07-08.

Conditions:
Cardiomyopathy (CMYO). Also called: Cardiomyopathies. Identifiers: Orphanet 167848, MedGen C0878544, MONDO:0004994, HP:0001638. Inheritance: Various modes of inheritance.

Submissions (2):

CHEO Genetics Diagnostic Laboratory, Children's Hospital of Eastern Ontario
Classification: Uncertain significance for Cardiomyopathy. Last evaluated: 2019-07-08. Review status: criteria provided, single submitter. Criteria: ACMG Guidelines, 2015. Collection method: clinical testing. Allele origin: germline.

Laboratory for Molecular Medicine, Mass General Brigham Personalized Medicine
Classification: Uncertain significance. Last evaluated: 2014-05-23. Review status: no assertion criteria provided. Collection method: clinical testing. Allele origin: germline. Observed: 1 variant allele. Not counted in ClinVar's aggregate classification.
Comment: proposed classification - variant undergoing re-assessment, contact laboratory

NM_000256.3(MYBPC3):c.3281A>T (p.Asn1094Ile)

Gene: MYBPC3 (myosin binding protein C3; minus strand). Cytogenetic location: 11p11.2.
Variant type: single nucleotide variant.
Coding change: c.3281A>T on transcript NM_000256.3 (MANE Select); coding-DNA position 3281, A replaced by T.
Protein change: p.Asn1094Ile; replaces asparagine 1094 with isoleucine.
Molecular consequence: missense variant.
Genome position (GRCh38, 1-based): chr11:47,333,243, T>A on the plus strand (A>T on the coding strand, the complement: MYBPC3 is on the minus strand). VCF-style: chr11-47333243-T-A. GRCh37 (hg19) VCF-style: chr11-47354794-T-A.
Other names: short protein forms N1094I.
Identifiers: ClinVar variation 42698 (VCV000042698.6), dbSNP rs397516012, ClinGen allele CA013770.
Genomic context (GRCh38, chr11:47,333,243, plus strand): 5'-CCTGGGCTCACCATGGTCTTCTTGTCGGCTTTCTGCACTGTGTACCCCCAGAGCTCCGTG[T>A]TGCCGACATCCTGGGGTGGCTTCCACTCCAGAGCCACATTAAGACCCCAGGCGTCAGTCA-3'
Protein context (NP_000247.2, residues 1084-1104): LEWKPPQDVG[Asn1094Ile]TELWGYTVQK